The following is an entry in ClinVar:

NM_017617.5(NOTCH1):c.569_586del (p.Arg190_Cys195del)

Gene: NOTCH1 (notch receptor 1; minus strand). Cytogenetic location: 9q34.3.
Variant type: Deletion.
Coding change: c.569_586del on transcript NM_017617.5 (MANE Select); coding-DNA positions 569 to 586, 18 bases deleted (GCCACGGAGGCACCTGCC).
Protein change: p.Arg190_Cys195del.
Molecular consequence: inframe deletion.
Genome position (GRCh38, 1-based): chr9:136,523,006-136,523,023, GGCAGGTGCCTCCGTGGC deleted on the plus strand (GCCACGGAGGCACCTGCC on the coding strand, the reverse complement: NOTCH1 is on the minus strand); deleting any 18 consecutive bases within chr9:136,523,006-136,523,027 gives the same sequence; the c. name uses the placement nearest the transcript's 3' end. VCF-style (leftmost placement, unchanged base first): chr9-136523005-TGGCAGGTGCCTCCGTGGC-T. GRCh37 (hg19) VCF-style: chr9-139417457-TGGCAGGTGCCTCCGTGGC-T.
Identifiers: ClinVar variation 1307422 (VCV001307422.3), dbSNP rs2133377568, ClinGen allele CA2573053145.

ClinVar aggregate classification (germline): Likely pathogenic (1 of 4 stars; one submission).

Submission:

GeneDx
Classification: Likely pathogenic. Last evaluated: 2026-01-13. Review status: criteria provided, single submitter. Criteria: GeneDx Variant Classification Process June 2021. Collection method: clinical testing. Allele origin: germline. Affected: yes.
Comment: Not observed in large population cohorts (gnomAD); In-frame deletion of 6 amino acids in a non-repeat region; In silico analysis, which includes protein predictors and evolutionary conservation, supports a deleterious effect; Has not been previously published as pathogenic or benign to our knowledge